The following is an entry in ClinVar:

NM_020738.4(KIDINS220):c.2173C>T (p.Arg725Cys)

Gene: KIDINS220 (kinase D interacting substrate 220; minus strand). Cytogenetic location: 2p25.1.
Variant type: single nucleotide variant.
Coding change: c.2173C>T on transcript NM_020738.4 (MANE Select); coding-DNA position 2173, C replaced by T.
Protein change: p.Arg725Cys; replaces arginine 725 with cysteine.
Molecular consequence: missense variant. On other transcripts: non-coding transcript variant (2).
Genome position (GRCh38, 1-based): chr2:8,785,797, G>A on the plus strand (C>T on the coding strand, the complement: KIDINS220 is on the minus strand). VCF-style: chr2-8785797-G-A. GRCh37 (hg19) VCF-style: chr2-8925927-G-A.
Other names: c.2176C>T, p.Arg726Cys (NM_001348729.2, NM_001348731.2, NM_001348734.2 and 3 more transcripts); c.2173C>T, p.Arg725Cys (NM_001348732.2, NM_001348735.2, NM_001348738.2 and 3 more transcripts); c.2047C>T, p.Arg683Cys (NM_001348736.2); c.2173C>T (NM_020738.2); short protein forms R683C, R725C, R726C.
Identifiers: ClinVar variation 2959432 (VCV002959432.4), dbSNP rs372166824, ClinGen allele CA1520034.

ClinVar aggregate classification (germline): Uncertain significance. Review status: criteria provided, multiple submitters, no conflicts (2 of 4 stars). 2 submissions from 2 submitters: Uncertain significance (2). Last evaluated 2026-06-13.

Conditions:
KIDINS220-related disorder. Also called: KIDINS220-related condition.

Allele frequency attached by ClinVar (database versions not stated): ExAC 0.00001; gnomAD exomes 0.00001; TOPMed 0.00003; ESP Exome Variant Server 0.00008.
gnomAD v4.1: 25 of 1,613,878 alleles (0.0015%); highest among the groups gnomAD compares: Non-Finnish European, 0.0019%; no homozygotes.

Submissions (2):

PreventionGenetics, part of Exact Sciences
Classification: Uncertain significance for KIDINS220-related condition. Last evaluated: 2026-06-13. Review status: criteria provided, single submitter. Criteria: ACMG Guidelines, 2015. Collection method: clinical testing. Allele origin: germline.
Comment: The KIDINS220 c.2173C>T variant is predicted to result in the amino acid substitution p.Arg725Cys. To our knowledge, this variant has not been reported in the literature in individuals with KIDINS220-related disease. This variant is reported in 0.0039% of alleles in individuals of European (Non-Finnish) descent in gnomAD. At this time, the clinical significance of this variant is uncertain due to the absence of conclusive functional and genetic evidence.

Labcorp Genetics (formerly Invitae), Labcorp
Classification: Uncertain significance. Last evaluated: 2023-08-04. Review status: criteria provided, single submitter. Criteria: Invitae Variant Classification Sherloc (09022015). Collection method: clinical testing. Allele origin: germline.
Comment: In summary, the available evidence is currently insufficient to determine the role of this variant in disease. Therefore, it has been classified as a Variant of Uncertain Significance. An algorithm developed to predict the effect of missense changes on protein structure and function (PolyPhen-2) suggests that this variant is likely to be disruptive. This variant has not been reported in the literature in individuals affected with KIDINS220-related conditions. This variant is present in population databases (rs372166824, gnomAD 0.004%). This sequence change replaces arginine, which is basic and polar, with cysteine, which is neutral and slightly polar, at codon 725 of the KIDINS220 protein (p.Arg725Cys).